The following is an entry in ClinVar:

ClinVar aggregate classification (germline): Benign/Likely benign. Review status: criteria provided, multiple submitters, no conflicts (2 of 4 stars). 4 submissions from 4 submitters: Benign (2); Likely benign (2). Last evaluated 2026-02-11.

Conditions:
IFIH1-related disorder. Also called: IFIH1-related condition.
Singleton-Merten syndrome 1 (SGMRT1). Also called: Widened medullary cavities of bone, aortic calcification, abnormal dentition, and muscular weakness; Syndrome of widened medullary cavities of the metacarpals and phalanges, aortic calcification and abnormal dentition. Identifiers: Orphanet 85191, MedGen C4225427, MONDO:0024535, OMIM 182250.
Aicardi-Goutieres syndrome 7 (AGS7). Identifiers: Orphanet 51, MedGen C3888244, MONDO:0014367, OMIM 615846.

Allele frequency attached by ClinVar (database versions not stated): gnomAD 0.00013 and 0.00019; TOPMed 0.00023; ExAC 0.00042; 1000 Genomes Project 30x 0.00125; 1000 Genomes Project 0.00140.
gnomAD v4.1: 205 of 1,612,914 alleles (0.013%); highest among the groups gnomAD compares: East Asian, 0.41%; 2 homozygotes.

Submissions (4):

PreventionGenetics, part of Exact Sciences
Classification: Likely benign for IFIH1-related condition. Last evaluated: 2026-02-11. Review status: criteria provided, single submitter. Criteria: ACMG Guidelines, 2015. Collection method: clinical testing. Allele origin: germline.
Comment: This variant is classified as likely benign based on ACMG/AMP sequence variant interpretation guidelines (Richards et al. 2015 PMID: 25741868, with internal and published modifications).

Labcorp Genetics (formerly Invitae), Labcorp
Classification: Benign for Aicardi-Goutieres syndrome 7; Singleton-Merten syndrome 1. Last evaluated: 2026-01-07. Review status: criteria provided, single submitter. Criteria: Invitae Variant Classification Sherloc (09022015). Collection method: clinical testing. Allele origin: germline.

Blueprint Genetics
Classification: Likely benign. Last evaluated: 2024-09-23. Review status: criteria provided, single submitter. Criteria: ACMG Guidelines, 2015. Collection method: clinical testing. Allele origin: germline.

Breakthrough Genomics
Classification: Benign. Review status: criteria provided, single submitter. Criteria: ACMG Guidelines, 2015. Collection method: not provided. Allele origin: germline. Inheritance: Autosomal recessive inheritance. Affected: yes.

NM_022168.4(IFIH1):c.1812G>A (p.Leu604=)

Gene: IFIH1 (interferon induced with helicase C domain 1; minus strand). Cytogenetic location: 2q24.2.
Variant type: single nucleotide variant.
Coding change: c.1812G>A on transcript NM_022168.4 (MANE Select); coding-DNA position 1812, G replaced by A.
Protein change: p.Leu604=; no amino-acid change (leucine 604 retained).
Molecular consequence: synonymous variant.
Genome position (GRCh38, 1-based): chr2:162,277,647, C>T on the plus strand (G>A on the coding strand, the complement: IFIH1 is on the minus strand). VCF-style: chr2-162277647-C-T. GRCh37 (hg19) VCF-style: chr2-163134157-C-T.
Other names: c.1812G>A (NM_022168.3).
Identifiers: ClinVar variation 1165943 (VCV001165943.12), dbSNP rs118172671, ClinGen allele CA1934379.
Genomic context (GRCh38, chr2:162,277,647, plus strand): 5'-AGTATACGCATCTATCATTCGAATTGTGTCATTAATTTGTAGGGCCTCATTGTACTTCCT[C>T]AAATGTTCTGCACAAACACGTTCTTTGCGATTTCCTTCTTTTGCAGCTGTGAAAAAATAT-3'
Protein context (NP_071451.2, residues 594-614): NRKERVCAEH[Leu604=]RKYNEALQIN